The following is an entry in ClinVar:

ClinVar aggregate classification (germline): Uncertain significance (1 of 4 stars; one submission).

Submission:

GeneDx
Classification: Uncertain significance. Last evaluated: 2025-08-02. Review status: criteria provided, single submitter. Criteria: GeneDx Variant Classification Process June 2021. Collection method: clinical testing. Allele origin: germline. Affected: yes.
Comment: Not observed at significant frequency in large population cohorts (gnomAD); In silico analysis supports that this missense variant has a deleterious effect on protein structure/function; Has not been previously published as pathogenic or benign to our knowledge

NM_006421.5(ARFGEF1):c.3011C>T (p.Ala1004Val)

Gene: ARFGEF1 (ARF guanine nucleotide exchange factor 1; minus strand). Cytogenetic location: 8q13.2.
Variant type: single nucleotide variant.
Coding change: c.3011C>T on transcript NM_006421.5 (MANE Select); coding-DNA position 3011, C replaced by T.
Protein change: p.Ala1004Val; replaces alanine 1004 with valine.
Molecular consequence: missense variant. On other transcripts: non-coding transcript variant (1).
Genome position (GRCh38, 1-based): chr8:67,238,862, G>A on the plus strand (C>T on the coding strand, the complement: ARFGEF1 is on the minus strand). VCF-style: chr8-67238862-G-A. GRCh37 (hg19) VCF-style: chr8-68151097-G-A.
Other names: c.3011C>T, p.Ala1004Val (NM_001413184.1, NM_001413185.1, NM_001413186.1 and 6 more transcripts); c.2411C>T, p.Ala804Val (NM_001413188.1, NM_001413193.1, NM_001413197.1); c.3005C>T, p.Ala1002Val (NM_001413190.1); c.1586C>T, p.Ala529Val (NM_001413196.1); short protein forms A1002V, A1004V, A529V, A804V.
Identifiers: ClinVar variation 4756028 (VCV004756028.1).